The following is an entry in ClinVar:

NM_000256.3(MYBPC3):c.1927+1G>A

Gene: MYBPC3 (myosin binding protein C3; minus strand). Cytogenetic location: 11p11.2.
Variant type: single nucleotide variant.
Coding change: c.1927+1G>A on transcript NM_000256.3 (MANE Select); the canonical splice donor site of the intron after coding-DNA position 1927, G replaced by A.
Molecular consequence: splice donor variant.
Genome position (GRCh38, 1-based): chr11:47,341,002, C>T on the plus strand (G>A on the coding strand, the complement: MYBPC3 is on the minus strand). VCF-style: chr11-47341002-C-T. GRCh37 (hg19) VCF-style: chr11-47362553-C-T.
Identifiers: ClinVar variation 1163047 (VCV001163047.8), dbSNP rs2142859053, ClinGen allele CA380323205.
Genomic context (GRCh38, chr11:47,341,002, plus strand): 5'-CCTGCGTGGGTGGGTTGCGGGAAAGTGAGCAGAACCAAGACTCAGGGGCCCCAAGACTTA[C>T]CCTGCCTGGGTACGAAGTCAATCTTGACCTCTGCAAGAGAAGGAAGAGCAAGTAGCACGG-3'

ClinVar aggregate classification (germline): Conflicting classifications of pathogenicity. Review status: criteria provided, conflicting classifications (1 of 4 stars). 2 submissions from 2 submitters: Likely pathogenic (1); Uncertain significance (1). Last evaluated 2026-04-16.

Conditions:
Cardiovascular phenotype. Identifiers: MedGen CN230736.

Submissions (2):

Ambry Genetics
Classification: Uncertain significance for Cardiovascular phenotype. Last evaluated: 2026-04-16. Review status: criteria provided, single submitter. Criteria: Ambry Variant Classification Scheme 2023. Collection method: clinical testing. Allele origin: germline.
Comment: The c.1927+1G>A intronic variant results from a G to A substitution one nucleotide after coding exon 20 of the MYBPC3 gene. Variants that disrupt the canonical splice site are expected to result in aberrant splicing. In silico splice site analysis predicts that this alteration will weaken the native splice donor site. A resulting transcript is predicted to be in-frame and is not expected to trigger nonsense-mediated mRNAdecay; although, direct evidence is unavailable. This nucleotide position is highly conserved in available vertebrate species. Based on the available evidence, the clinical significance of this variant remains unclear.

Mayo Clinic Laboratories, Mayo Clinic
Classification: Likely pathogenic. Last evaluated: 2021-02-11. Review status: criteria provided, single submitter. Criteria: ACMG Guidelines, 2015. Collection method: clinical testing. Allele origin: germline. Observed: 2 variant alleles.
Comment: PVS1_Strong, PM2_supporting